The following is an entry in ClinVar:

ClinVar aggregate classification (germline): Likely pathogenic (1 of 4 stars; one submission).

Submission:

Labcorp Genetics (formerly Invitae), Labcorp
Classification: Likely pathogenic. Last evaluated: 2025-04-28. Review status: criteria provided, single submitter. Criteria: Invitae Variant Classification Sherloc (09022015). Collection method: clinical testing. Allele origin: germline.
Comment: This sequence change replaces glycine, which is neutral and non-polar, with arginine, which is basic and polar, at codon 945 of the COL2A1 protein (p.Gly945Arg). This variant is not present in population databases (gnomAD no frequency). This missense change has been observed in individual(s) with clinical features of autosomal dominant COL2A1-related conditions (internal data). ClinVar contains an entry for this variant (Variation ID: 2087822). Invitae Evidence Modeling of protein sequence and biophysical properties (such as structural, functional, and spatial information, amino acid conservation, physicochemical variation, residue mobility, and thermodynamic stability) indicates that this missense variant is expected to disrupt COL2A1 protein function with a positive predictive value of 95%. This variant disrupts the triple helix domain of COL2A1. Glycine residues within the Gly-Xaa-Yaa repeats of the triple helix domain are required for the structure and stability of fibrillar collagens (PMID: 7695699, 8218237, 19344236). In COL2A1, variants affecting these glycine residues are significantly enriched in individuals with disease (PMID: 9016532, 17078022) compared to the general population (ExAC). This variant disrupts the p.Gly945 amino acid residue in COL2A1. Other variant(s) that disrupt this residue have been observed in individuals with COL2A1-related conditions (PMID: 22791362, 27888646), which suggests that this may be a clinically significant amino acid residue. In summary, the currently available evidence indicates that the variant is pathogenic, but additional data are needed to prove that conclusively. Therefore, this variant has been classified as Likely Pathogenic.

Literature cited by the submitters: PubMed 7695699; PubMed 8218237; PubMed 19344236; PubMed 9016532; PubMed 17078022; PubMed 22791362; PubMed 27888646.

NM_001844.5(COL2A1):c.2833G>C (p.Gly945Arg)

Gene: COL2A1 (collagen type II alpha 1 chain; minus strand). Cytogenetic location: 12q13.11.
Variant type: single nucleotide variant.
Coding change: c.2833G>C on transcript NM_001844.5 (MANE Select); coding-DNA position 2833, G replaced by C.
Protein change: p.Gly945Arg; replaces glycine 945 with arginine.
Molecular consequence: missense variant.
Genome position (GRCh38, 1-based): chr12:47,978,659, C>G on the plus strand (G>C on the coding strand, the complement: COL2A1 is on the minus strand). VCF-style: chr12-47978659-C-G. GRCh37 (hg19) VCF-style: chr12-48372442-C-G.
Other names: c.2626G>C, p.Gly876Arg (NM_033150.3); short protein forms G945R, G876R.
Identifiers: ClinVar variation 2087822 (VCV002087822.4), dbSNP rs886039542, ClinGen allele CA384542095.
Genomic context (GRCh38, chr12:47,978,659, plus strand): 5'-AGGGACCGTCATCTCCAGGCTCTCCCTTCTCGCCAGGGGGTCCAGCAGGACCTTGGAGGC[C>G]GGGTTCACCAGCTCGGCCAGGGGGGCCGCTGTCTCCTCGAGCACCTTTGGGACCATCTTT-3'
Protein context (NP_001835.3, residues 935-955): SGPPGRAGEP[Gly945Arg]LQGPAGPPGE